The following is an entry in ClinVar:

NM_007078.3(LDB3):c.2085C>T (p.Phe695=)

Gene: LDB3 (LIM domain binding 3; plus strand). Cytogenetic location: 10q23.2.
Variant type: single nucleotide variant.
Coding change: c.2085C>T on transcript NM_007078.3 (MANE Select); coding-DNA position 2085, C replaced by T.
Protein change: p.Phe695=; no amino-acid change (phenylalanine 695 retained).
Molecular consequence: synonymous variant.
Genome position (GRCh38, 1-based): chr10:86,726,243, C>T. VCF-style: chr10-86726243-C-T. GRCh37 (hg19) VCF-style: chr10-88486000-C-T.
Other names: c.1755C>T, p.Phe585= (NM_001080114.2); c.2100C>T, p.Phe700= (NM_001171610.2); c.1896C>T, p.Phe632= (NM_001368064.1, NM_001368065.1); c.1944C>T, p.Phe648= (NM_001368066.1).
Identifiers: ClinVar variation 2895400 (VCV002895400.3), dbSNP rs1335300730, ClinGen allele CA470309656.

ClinVar aggregate classification (germline): Uncertain significance (1 of 4 stars; one submission).

Conditions:
Myofibrillar myopathy 4. Also called: Zaspopathy (type). Identifiers: Orphanet 98912, MedGen C4721886, MONDO:0012277, OMIM 609452.

Allele frequency attached by ClinVar (database versions not stated): gnomAD exomes 0.00001; TOPMed 0.00001; gnomAD 0.00002.

Submission:

Labcorp Genetics (formerly Invitae), Labcorp
Classification: Uncertain significance for Myofibrillar myopathy 4. Last evaluated: 2025-03-26. Review status: criteria provided, single submitter. Criteria: Invitae Variant Classification Sherloc (09022015). Collection method: clinical testing. Allele origin: germline.
Comment: The LDB3 gene has multiple clinically relevant transcripts. This variant occurs in alternate transcript NM_007078.3, and corresponds to NM_001080116.1:c.*26869C>T in the primary transcript. This sequence change affects codon 695 of the LDB3 mRNA. It is a 'silent' change, meaning that it does not change the encoded amino acid sequence of the LDB3 protein. This variant is present in population databases (no rsID available, gnomAD 0.002%). This variant has not been reported in the literature in individuals affected with LDB3-related conditions. Experimental studies and prediction algorithms are not available or were not evaluated, and the functional significance of this variant is currently unknown. In summary, the available evidence is currently insufficient to determine the role of this variant in disease. Therefore, it has been classified as a Variant of Uncertain Significance.